The following is an entry in ClinVar:

ClinVar aggregate classification (germline): Uncertain significance. Review status: criteria provided, multiple submitters, no conflicts (2 of 4 stars). 3 submissions from 3 submitters: Uncertain significance (3). Last evaluated 2025-12-03.

Conditions:
Inborn genetic diseases. Identifiers: MedGen C0950123, MeSH D030342.

Allele frequency attached by ClinVar (database versions not stated): gnomAD exomes 0.00001; ExAC 0.00003; TOPMed 0.00007; gnomAD 0.00006.
gnomAD v4.1: 21 of 1,613,944 alleles (0.0013%); highest among the groups gnomAD compares: African/African-American, 0.019%; no homozygotes.

Submissions (3):

Ambry Genetics
Classification: Uncertain significance for Inborn genetic diseases. Last evaluated: 2025-12-03. Review status: criteria provided, single submitter. Criteria: Ambry Variant Classification Scheme 2023. Collection method: clinical testing. Allele origin: germline.

GeneDx
Classification: Uncertain significance. Last evaluated: 2023-03-29. Review status: criteria provided, single submitter. Criteria: GeneDx Variant Classification Process June 2021. Collection method: clinical testing. Allele origin: germline. Affected: yes.
Comment: In silico analysis supports that this missense variant does not alter protein structure/function; Has not been previously published as pathogenic or benign to our knowledge

Labcorp Genetics (formerly Invitae), Labcorp
Classification: Uncertain significance. Last evaluated: 2022-04-20. Review status: criteria provided, single submitter. Criteria: Invitae Variant Classification Sherloc (09022015). Collection method: clinical testing. Allele origin: germline.
Comment: This sequence change replaces glutamic acid, which is acidic and polar, with aspartic acid, which is acidic and polar, at codon 1635 of the PCDH15 protein (p.Glu1635Asp). This variant is present in population databases (rs760232069, gnomAD 0.02%). This variant has not been reported in the literature in individuals affected with PCDH15-related conditions. Algorithms developed to predict the effect of missense changes on protein structure and function (SIFT, PolyPhen-2, Align-GVGD) all suggest that this variant is likely to be tolerated. In summary, the available evidence is currently insufficient to determine the role of this variant in disease. Therefore, it has been classified as a Variant of Uncertain Significance.

NM_033056.4(PCDH15):c.4905G>C (p.Glu1635Asp)

Gene: PCDH15 (protocadherin related 15; minus strand). Cytogenetic location: 10q21.1.
Variant type: single nucleotide variant.
Coding change: c.4905G>C on transcript NM_033056.4 (MANE Plus Clinical); coding-DNA position 4905, G replaced by C.
Protein change: p.Glu1635Asp; replaces glutamic acid 1635 with aspartic acid.
Molecular consequence: missense variant. On other transcripts: intron variant (8).
Genome position (GRCh38, 1-based): chr10:53,822,821, C>G on the plus strand (G>C on the coding strand, the complement: PCDH15 is on the minus strand). VCF-style: chr10-53822821-C-G. GRCh37 (hg19) VCF-style: chr10-55582581-C-G.
Other names: c.4926G>C, p.Glu1642Asp (NM_001142763.2); c.4911G>C, p.Glu1637Asp (NM_001142764.2); c.4698G>C, p.Glu1566Asp (NM_001142765.2); c.4896G>C, p.Glu1632Asp (NM_001142766.2); c.4785G>C, p.Glu1595Asp (NM_001142767.2); c.4845G>C, p.Glu1615Asp (NM_001142768.2); c.4836G>C, p.Glu1612Asp (NM_001142773.2); c.4839G>C, p.Glu1613Asp (NM_001354404.2); and 6 more; short protein forms E1642D, E1595D, E1635D, E1637D, E1612D, E1613D, E1632D, E1566D.
Identifiers: ClinVar variation 2162679 (VCV002162679.3), dbSNP rs760232069, ClinGen allele CA5505168.